The following is an entry in ClinVar:

ClinVar aggregate classification (germline): Likely benign. Review status: criteria provided, single submitter (1 of 4 stars). 2 submissions from 2 submitters: Likely benign (1). 1 of the submissions does not count toward it. Last evaluated 2019-12-31.

Conditions:
DNHD1-related disorder. Also called: DNHD1-related condition.

Allele frequency attached by ClinVar (database versions not stated): gnomAD 0.00006; TOPMed 0.00022; gnomAD exomes 0.00043; ExAC 0.00057.
gnomAD v4.1: 121 of 1,605,996 alleles (0.0075%); highest among the groups gnomAD compares: Admixed American, 0.2%; no homozygotes.

Submissions (2):

Labcorp Genetics (formerly Invitae), Labcorp
Classification: Likely benign. Last evaluated: 2019-12-31. Review status: criteria provided, single submitter. Criteria: Invitae Variant Classification Sherloc (09022015). Collection method: clinical testing. Allele origin: germline.

PreventionGenetics, part of Exact Sciences
Classification: Likely benign for DNHD1-related condition. Last evaluated: 2020-05-11. Review status: no assertion criteria provided. Collection method: clinical testing. Allele origin: germline. Not counted in ClinVar's aggregate classification.
Comment: This variant is classified as likely benign based on ACMG/AMP sequence variant interpretation guidelines (Richards et al. 2015 PMID: 25741868, with internal and published modifications).

NM_144666.3(DNHD1):c.13105+1G>T

Gene: DNHD1 (dynein heavy chain domain 1; plus strand). Cytogenetic location: 11p15.4.
Variant type: single nucleotide variant.
Coding change: c.13105+1G>T on transcript NM_144666.3 (MANE Select); the canonical splice donor site of the intron after coding-DNA position 13105, G replaced by T.
Molecular consequence: splice donor variant.
Genome position (GRCh38, 1-based): chr11:6,570,397, G>T. VCF-style: chr11-6570397-G-T. GRCh37 (hg19) VCF-style: chr11-6591627-G-T.
Identifiers: ClinVar variation 778970 (VCV000778970.6), dbSNP rs763469819, ClinGen allele CA5857025.
Genomic context (GRCh38, chr11:6,570,397, plus strand): 5'-GGAGCTGGGTCCAGCCACACACACCTCAGTCTTTGCTGGCCACGCTCATGCCCCTCCCAG[G>T]TAAGCCTCACTCAGGTATCTGTTTTGGGGTAGGGAATAGTGCAATGCAATGCCACCCCCC-3'